The following is an entry in ClinVar:

ClinVar aggregate classification (germline): Uncertain significance (1 of 4 stars; one submission).

Conditions:
Craniofacial dysplasia - osteopenia syndrome. Also called: Hamamy syndrome. Identifiers: Orphanet 314555, MedGen C1970027, MONDO:0012634, OMIM 611174.

gnomAD v4.1: 3 of 1,337,360 alleles (0.00022%); highest among the groups gnomAD compares: Non-Finnish European, 0.000095%; no homozygotes.

Submission:

Laboratorio de Genetica e Diagnostico Molecular, Hospital Israelita Albert Einstein
Classification: Uncertain significance for Craniofacial dysplasia - osteopenia syndrome. Last evaluated: 2025-02-13. Review status: criteria provided, single submitter. Criteria: ACMG Guidelines, 2015. Collection method: clinical testing. Allele origin: germline. Affected: yes.
Comment: ACMG classification criteria: PM2 supporting, BP4 supporting

NM_005853.6(IRX5):c.833C>A (p.Pro278Gln)

Gene: IRX5 (iroquois homeobox 5; plus strand). Cytogenetic location: 16q12.2.
Variant type: single nucleotide variant.
Coding change: c.833C>A on transcript NM_005853.6 (MANE Select); coding-DNA position 833, C replaced by A.
Protein change: p.Pro278Gln; replaces proline 278 with glutamine.
Molecular consequence: missense variant.
Genome position (GRCh38, 1-based): chr16:54,933,254, C>A. VCF-style: chr16-54933254-C-A. GRCh37 (hg19) VCF-style: chr16-54967166-C-A.
Other names: c.830C>A, p.Pro277Gln (NM_001252197.1); short protein forms P277Q, P278Q.
Identifiers: ClinVar variation 4056808 (VCV004056808.1).